The following is an entry in ClinVar:

ClinVar aggregate classification (germline): Uncertain significance. Review status: criteria provided, multiple submitters, no conflicts (2 of 4 stars). 5 submissions from 5 submitters: Uncertain significance (5). Last evaluated 2025-06-01.

Conditions:
Dilated cardiomyopathy 1W (CMD1W). Identifiers: Orphanet 154, MedGen C1969639, MONDO:0012667, OMIM 611407.
Cardiovascular phenotype. Identifiers: MedGen CN230736.
Hypertrophic cardiomyopathy 15. Identifiers: MedGen C2750459, MONDO:0013200, OMIM 613255.

Allele frequency attached by ClinVar (database versions not stated): ExAC 0.00001; TOPMed 0.00001; gnomAD 0.00002; gnomAD exomes 0.00002 and 0.00003.
gnomAD v4.1: 44 of 1,613,868 alleles (0.0027%); highest among the groups gnomAD compares: East Asian, 0.022%; no homozygotes.

Submissions (5):

Labcorp Genetics (formerly Invitae), Labcorp
Classification: Uncertain significance for Dilated cardiomyopathy 1W. Last evaluated: 2025-06-01. Review status: criteria provided, single submitter. Criteria: Invitae Variant Classification Sherloc (09022015). Collection method: clinical testing. Allele origin: germline.
Comment: This sequence change replaces arginine, which is basic and polar, with cysteine, which is neutral and slightly polar, at codon 680 of the VCL protein (p.Arg680Cys). This variant is present in population databases (rs759356162, gnomAD 0.005%). This variant has not been reported in the literature in individuals affected with VCL-related conditions. ClinVar contains an entry for this variant (Variation ID: 806513). An algorithm developed to predict the effect of missense changes on protein structure and function (PolyPhen-2) suggests that this variant is likely to be disruptive. In summary, the available evidence is currently insufficient to determine the role of this variant in disease. Therefore, it has been classified as a Variant of Uncertain Significance.

Ambry Genetics
Classification: Uncertain significance for Cardiovascular phenotype. Last evaluated: 2023-02-16. Review status: criteria provided, single submitter. Criteria: Ambry Variant Classification Scheme 2023. Collection method: clinical testing. Allele origin: germline.

Fulgent Genetics
Classification: Uncertain significance for Dilated cardiomyopathy 1W; Hypertrophic cardiomyopathy 15. Last evaluated: 2021-09-09. Review status: criteria provided, single submitter. Criteria: ACMG Guidelines, 2015. Collection method: clinical testing. Allele origin: unknown.

GeneDx
Classification: Uncertain significance. Last evaluated: 2021-06-18. Review status: criteria provided, single submitter. Criteria: GeneDx Variant Classification Process June 2021. Collection method: clinical testing. Allele origin: germline. Affected: yes.
Comment: Has not been previously published as pathogenic or benign to our knowledge; Not observed at significant frequency in large population cohorts (Lek et al., 2016); In silico analysis supports that this missense variant has a deleterious effect on protein structure/function; Reported in ClinVar as a variant of uncertain significance (ClinVar Variant ID# 806513; Landrum et al., 2016); This variant is associated with the following publications: (PMID: 27535533, 26582918)

CeGaT Center for Human Genetics Tuebingen
Classification: Uncertain significance. Last evaluated: 2016-06-01. Review status: criteria provided, single submitter. Criteria: CeGaT Center For Human Genetics Tuebingen Variant Classification Criteria Version 2. Collection method: clinical testing. Allele origin: germline. Affected: yes. Observed: 1 variant allele.

NM_014000.3(VCL):c.2038C>T (p.Arg680Cys)

Gene: VCL (vinculin; plus strand). Cytogenetic location: 10q22.2.
Variant type: single nucleotide variant.
Coding change: c.2038C>T on transcript NM_014000.3 (MANE Select); coding-DNA position 2038, C replaced by T.
Protein change: p.Arg680Cys; replaces arginine 680 with cysteine.
Molecular consequence: missense variant.
Genome position (GRCh38, 1-based): chr10:74,103,835, C>T. VCF-style: chr10-74103835-C-T. GRCh37 (hg19) VCF-style: chr10-75863593-C-T.
Other names: c.2038C>T, p.Arg680Cys (NM_003373.4); short protein forms R680C.
Identifiers: ClinVar variation 806513 (VCV000806513.53), dbSNP rs759356162, ClinGen allele CA5563158.
Genomic context (GRCh38, chr10:74,103,835, plus strand): 5'-AGAGCAAGGGTGCTCTGGTGTTTAAAGGTGTTTTGTCATTGTCAGGTGGTCTCGGCTGCT[C>T]GTATCTTACTTAGGAACCCTGGAAATCAAGCTGCTTATGAACATTTTGAGACCATGAAGA-3'
Protein context (NP_054706.1, residues 670-690): ELTPQVVSAA[Arg680Cys]ILLRNPGNQA